The following is an entry in ClinVar:

ClinVar aggregate classification (germline): Uncertain significance (1 of 4 stars; one submission).

Allele frequency attached by ClinVar (database versions not stated): gnomAD exomes below 0.00001 and 0.00001; ExAC 0.00001.
gnomAD v4.1: 10 of 1,601,416 alleles (0.00062%); highest among the groups gnomAD compares: Non-Finnish European, 0.00085%; no homozygotes.

Submission:

Labcorp Genetics (formerly Invitae), Labcorp
Classification: Uncertain significance. Last evaluated: 2021-07-10. Review status: criteria provided, single submitter. Criteria: Invitae Variant Classification Sherloc (09022015). Collection method: clinical testing. Allele origin: germline.
Comment: This sequence change replaces alanine with proline at codon 7 of the AARS2 protein (p.Ala7Pro). The alanine residue is moderately conserved and there is a small physicochemical difference between alanine and proline. This variant is present in population databases (rs750230257, ExAC 0.002%). This variant has not been reported in the literature in individuals affected with AARS2-related conditions. Advanced modeling of protein sequence and biophysical properties (such as structural, functional, and spatial information, amino acid conservation, physicochemical variation, residue mobility, and thermodynamic stability) performed at Invitae indicates that this missense variant is not expected to disrupt AARS2 protein function. In summary, the available evidence is currently insufficient to determine the role of this variant in disease. Therefore, it has been classified as a Variant of Uncertain Significance.

NM_020745.4(AARS2):c.19G>C (p.Ala7Pro)

Gene: AARS2 (alanyl-tRNA synthetase 2, mitochondrial; minus strand). Cytogenetic location: 6p21.1.
Variant type: single nucleotide variant.
Coding change: c.19G>C on transcript NM_020745.4 (MANE Select); coding-DNA position 19, G replaced by C.
Protein change: p.Ala7Pro; replaces alanine 7 with proline.
Molecular consequence: missense variant.
Genome position (GRCh38, 1-based): chr6:44,313,305, C>G on the plus strand (G>C on the coding strand, the complement: AARS2 is on the minus strand). VCF-style: chr6-44313305-C-G. GRCh37 (hg19) VCF-style: chr6-44281042-C-G.
Other names: short protein forms A7P.
Identifiers: ClinVar variation 1414933 (VCV001414933.9), dbSNP rs750230257, ClinGen allele CA3834762.